The following is an entry in ClinVar:

NM_001735.3(C5):c.3864+4del

Gene: C5 (complement C5; minus strand). Cytogenetic location: 9q33.2.
Variant type: Deletion.
Coding change: c.3864+4del on transcript NM_001735.3 (MANE Select); 4 bases into the intron after coding-DNA position 3864, one base deleted (A; older notation c.3864+4delA).
Molecular consequence: intron variant.
Genome position (GRCh38, 1-based): chr9:120,976,696, T deleted on the plus strand (A on the coding strand, the reverse complement: C5 is on the minus strand); the first of 2 consecutive T bases (chr9:120,976,696-120,976,697); deleting either gives the same sequence. VCF-style (leftmost placement, unchanged base first): chr9-120976695-GT-G. GRCh37 (hg19) VCF-style: chr9-123738973-GT-G.
Other names: c.3882+4del (NM_001317163.2).
Identifiers: ClinVar variation 2053579 (VCV002053579.4), dbSNP rs2046955615, ClinGen allele CA1128781902.
Genomic context (GRCh38, chr9:120,976,695, plus strand): 5'-TGAGTGTGGTGGGGGAGAAAATAAAAATGTCTACAGGGAGATGAAACAAGACAAAGAAAT[GT>G]TACCTGGGTTGAATAAAAGCCACCTCCATACCTCTGCTCTTCTGATAGCCATTTGATGAC-3'

ClinVar aggregate classification (germline): Uncertain significance (1 of 4 stars; one submission).

Submission:

Labcorp Genetics (formerly Invitae), Labcorp
Classification: Uncertain significance. Last evaluated: 2026-02-01. Review status: criteria provided, single submitter. Criteria: Invitae Variant Classification Sherloc (09022015). Collection method: clinical testing. Allele origin: germline.
Comment: This sequence change falls in intron 29 of the C5 gene. It does not directly change the encoded amino acid sequence of the C5 protein. It affects a nucleotide within the consensus splice site. This variant is not present in population databases (gnomAD no frequency). This variant has not been reported in the literature in individuals affected with C5-related conditions. ClinVar contains an entry for this variant (Variation ID: 2053579). Variants that disrupt the consensus splice site are a relatively common cause of aberrant splicing (PMID: 17576681, 9536098). Algorithms developed to predict the effect of sequence changes on RNA splicing suggest that this variant is not likely to affect RNA splicing. In summary, the available evidence is currently insufficient to determine the role of this variant in disease. Therefore, it has been classified as a Variant of Uncertain Significance.

Literature cited by the submitters: PubMed 17576681; PubMed 9536098.